The following is an entry in ClinVar:

NM_054012.4(ASS1):c.142A>G (p.Arg48Gly)

Gene: ASS1 (argininosuccinate synthase 1; plus strand). Cytogenetic location: 9q34.11.
Variant type: single nucleotide variant.
Coding change: c.142A>G on transcript NM_054012.4 (MANE Select); coding-DNA position 142, A replaced by G.
Protein change: p.Arg48Gly; replaces arginine 48 with glycine.
Molecular consequence: missense variant.
Genome position (GRCh38, 1-based): chr9:130,454,341, A>G. VCF-style: chr9-130454341-A-G. GRCh37 (hg19) VCF-style: chr9-133329728-A-G.
Other names: c.142A>G, p.Arg48Gly (NM_000050.4); short protein forms R48G.
Identifiers: ClinVar variation 971742 (VCV000971742.10), dbSNP rs374695792, ClinGen allele CA5283163.

ClinVar aggregate classification (germline): Uncertain significance. Review status: criteria provided, multiple submitters, no conflicts (2 of 4 stars). 3 submissions from 3 submitters: Uncertain significance (2). 1 of the submissions does not count toward it. Last evaluated 2025-06-06.

Conditions:
Citrullinemia. Identifiers: Orphanet 187, MedGen C0175683, MONDO:0015991.
Inborn genetic diseases. Identifiers: MedGen C0950123, MeSH D030342.
Citrullinemia type I (CTNL1). Also called: argininosuccinate synthetase deficiency; ASS DEFICIENCY. Identifiers: Orphanet 247525, MedGen C4721769, MONDO:0008988, OMIM 215700.

Allele frequency attached by ClinVar (database versions not stated): ExAC 0.00002; gnomAD exomes 0.00002; gnomAD 0.00004 and 0.00005; TOPMed 0.00006; ESP Exome Variant Server 0.00008.
gnomAD v4.1: 17 of 1,613,616 alleles (0.0011%); highest among the groups gnomAD compares: African/African-American, 0.021%; no homozygotes.

Submissions (3):

Ambry Genetics
Classification: Uncertain significance for Inborn genetic diseases. Last evaluated: 2025-06-06. Review status: criteria provided, single submitter. Criteria: Ambry Variant Classification Scheme 2023. Collection method: clinical testing. Allele origin: germline.

Labcorp Genetics (formerly Invitae), Labcorp
Classification: Uncertain significance for Citrullinemia. Last evaluated: 2021-08-31. Review status: criteria provided, single submitter. Criteria: Invitae Variant Classification Sherloc (09022015). Collection method: clinical testing. Allele origin: germline.
Comment: This sequence change replaces arginine with glycine at codon 48 of the ASS1 protein (p.Arg48Gly). The arginine residue is moderately conserved and there is a moderate physicochemical difference between arginine and glycine. This variant is present in population databases (rs374695792, ExAC 0.02%). This variant has not been reported in the literature in individuals affected with ASS1-related conditions. Algorithms developed to predict the effect of missense changes on protein structure and function are either unavailable or do not agree on the potential impact of this missense change (SIFT: "Deleterious"; PolyPhen-2: "Possibly Damaging"; Align-GVGD: "Class C0"). In summary, the available evidence is currently insufficient to determine the role of this variant in disease. Therefore, it has been classified as a Variant of Uncertain Significance.

Natera, Inc.
Classification: Uncertain significance for Citrullinemia type I. Last evaluated: 2020-09-23. Review status: no assertion criteria provided. Collection method: clinical testing. Allele origin: germline. Not counted in ClinVar's aggregate classification.